The following is an entry in ClinVar:

ClinVar aggregate classification (germline): Conflicting classifications of pathogenicity. Review status: criteria provided, conflicting classifications (1 of 4 stars). 4 submissions from 4 submitters: Uncertain significance (3); Likely benign (1). Last evaluated 2025-02-05.

Conditions:
RP1L1-related disorder. Also called: RP1L1-related condition.
Occult macular dystrophy (OCMD). Also called: OMD; OCCULT MACULAR DYSTROPHY, SUSCEPTIBILITY TO. Identifiers: Orphanet 247834, MedGen C3150833, MONDO:0013316, OMIM 613587, HP:0030636.

Allele frequency attached by ClinVar (database versions not stated): TOPMed 0.00003; gnomAD 0.00010.
gnomAD v4.1: 137 of 1,612,308 alleles (0.0085%); highest among the groups gnomAD compares: Non-Finnish European, 0.011%; no homozygotes.

Submissions (4):

PreventionGenetics, part of Exact Sciences
Classification: Uncertain significance for RP1L1-related condition. Last evaluated: 2025-02-05. Review status: criteria provided, single submitter. Criteria: ACMG Guidelines, 2015. Collection method: clinical testing. Allele origin: germline.
Comment: The RP1L1 c.2456G>C variant is predicted to result in the amino acid substitution p.Gly819Ala. To our knowledge, this variant has not been reported in the literature. This variant is reported in 0.014% of alleles in individuals of European (Non-Finnish) descent in gnomAD. At this time, the clinical significance of this variant is uncertain due to the absence of conclusive functional and genetic evidence.

Blueprint Genetics
Classification: Uncertain significance. Last evaluated: 2023-09-13. Review status: criteria provided, single submitter. Criteria: ACMG Guidelines, 2015. Collection method: clinical testing. Allele origin: germline.

CeGaT Center for Human Genetics Tuebingen
Classification: Uncertain significance. Last evaluated: 2023-04-01. Review status: criteria provided, single submitter. Criteria: CeGaT Center For Human Genetics Tuebingen Variant Classification Criteria Version 2. Collection method: clinical testing. Allele origin: germline. Affected: yes. Observed: 2 variant alleles.
Comment: RP1L1: PM2:Supporting, BP4

Illumina Laboratory Services, Illumina
Classification: Likely benign for Occult macular dystrophy. Last evaluated: 2018-01-12. Review status: criteria provided, single submitter. Criteria: ICSL Variant Classification Criteria 13 December 2019. Collection method: clinical testing. Allele origin: germline.
Comment: This variant was observed in the ICSL laboratory as part of a predisposition screen in an ostensibly healthy population. It had not been previously curated by ICSL or reported in the Human Gene Mutation Database (HGMD: prior to June 1st, 2018), and was therefore a candidate for classification through an automated scoring system. Utilizing variant allele frequency, disease prevalence and penetrance estimates, and inheritance mode, an automated score was calculated to assess if this variant is too frequent to cause the disease. Based on the score and internal cut-off values, a variant classified as likely benign is not then subjected to further curation. The score for this variant resulted in a classification of likely benign for this disease.

NM_178857.6(RP1L1):c.2456G>C (p.Gly819Ala)

Gene: RP1L1 (RP1 like 1). Cytogenetic location: 8p23.1.
Variant type: single nucleotide variant.
Coding change: c.2456G>C on transcript NM_178857.6 (MANE Select); coding-DNA position 2456, G replaced by C.
Protein change: p.Gly819Ala; replaces glycine 819 with alanine.
Molecular consequence: missense variant.
Genome position (GRCh38, 1-based): chr8:10,611,642, C>G on the plus strand (G>C on the coding strand, the complement: RP1L1 is on the minus strand). VCF-style: chr8-10611642-C-G. GRCh37 (hg19) VCF-style: chr8-10469152-C-G.
Other names: short protein forms G819A.
Identifiers: ClinVar variation 374433 (VCV000374433.49), dbSNP rs201576854, ClinGen allele CA4624825.